The following is an entry in ClinVar:

ClinVar aggregate classification (germline): Uncertain significance (1 of 4 stars; one submission).

Conditions:
Epilepsy. Also called: Seizure disorder. Identifiers: MedGen C0014544, MeSH D004827, MONDO:0005027.

Allele frequency attached by ClinVar (database versions not stated): ExAC 0.00001; gnomAD 0.00001; gnomAD exomes 0.00002; TOPMed 0.00002.
gnomAD v4.1: 21 of 1,610,118 alleles (0.0013%); highest among the groups gnomAD compares: South Asian, 0.013%; no homozygotes.

Submission:

Labcorp Genetics (formerly Invitae), Labcorp
Classification: Uncertain significance for Epilepsy. Last evaluated: 2021-11-26. Review status: criteria provided, single submitter. Criteria: Invitae Variant Classification Sherloc (09022015). Collection method: clinical testing. Allele origin: germline.
Comment: This sequence change replaces arginine, which is basic and polar, with glutamine, which is neutral and polar, at codon 98 of the PIGQ protein (p.Arg98Gln). This variant is present in population databases (rs746519944, gnomAD 0.007%). This variant has not been reported in the literature in individuals affected with PIGQ-related conditions. Algorithms developed to predict the effect of missense changes on protein structure and function are either unavailable or do not agree on the potential impact of this missense change (SIFT: "Tolerated"; PolyPhen-2: "Possibly Damaging"; Align-GVGD: "Class C0"). Algorithms developed to predict the effect of sequence changes on RNA splicing suggest that this variant may create or strengthen a splice site. In summary, the available evidence is currently insufficient to determine the role of this variant in disease. Therefore, it has been classified as a Variant of Uncertain Significance.

NM_004204.5(PIGQ):c.293G>A (p.Arg98Gln)

Gene: PIGQ (phosphatidylinositol glycan anchor biosynthesis class Q; plus strand). Cytogenetic location: 16p13.3.
Variant type: single nucleotide variant.
Coding change: c.293G>A on transcript NM_004204.5 (MANE Select); coding-DNA position 293, G replaced by A.
Protein change: p.Arg98Gln; replaces arginine 98 with glutamine.
Molecular consequence: missense variant.
Genome position (GRCh38, 1-based): chr16:574,367, G>A. VCF-style: chr16-574367-G-A. GRCh37 (hg19) VCF-style: chr16-624367-G-A.
Other names: c.293G>A, p.Arg98Gln (NM_148920.4); short protein forms R98Q.
Identifiers: ClinVar variation 1379523 (VCV001379523.3), dbSNP rs746519944, ClinGen allele CA7779828.